The following is an entry in ClinVar:

NM_000132.4(F8):c.6996G>A (p.Trp2332Ter)

Gene: F8 (coagulation factor VIII; minus strand). Cytogenetic location: Xq28.
Variant type: single nucleotide variant.
Coding change: c.6996G>A on transcript NM_000132.4 (MANE Select); coding-DNA position 6996, G replaced by A.
Protein change: p.Trp2332Ter; replaces tryptophan 2332 with a stop codon.
Molecular consequence: nonsense.
Genome position (GRCh38, 1-based): chrX:154,837,657, C>T on the plus strand (G>A on the coding strand, the complement: F8 is on the minus strand). VCF-style: chrX-154837657-C-T. GRCh37 (hg19) VCF-style: chrX-154065932-C-T.
Other names: c.591G>A, p.Trp197Ter (NM_019863.3); short protein forms W197*, W2332*.
Identifiers: ClinVar variation 4081660 (VCV004081660.1).

ClinVar aggregate classification (germline): Pathogenic (1 of 4 stars; one submission).

Conditions:
Hereditary factor VIII deficiency disease (HEMA). Also called: HEMOPHILIA, CLASSIC; AUTOSOMAL HEMOPHILIA A; Hemophilia A; Hemophilia A, congenital; HEM A; Factor 8 deficiency, congenital. Identifiers: Orphanet 98878, MedGen C0019069, MONDO:0010602, OMIM 306700.

Submission:

Myriad Genetics, Inc.
Classification: Pathogenic for Hereditary factor VIII deficiency disease. Last evaluated: 2025-01-16. Review status: criteria provided, single submitter. Criteria: Myriad Autosomal Dominant, Autosomal Recessive and X-Linked Classification Criteria (2023). Collection method: clinical testing. Allele origin: unknown.
Comment: NM_000132.3(F8):c.6996G>A(W2332*) is a nonsense variant classified as pathogenic in the context of hemophilia A. W2332* has been observed in cases with relevant disease (PMID: 32026663, 16128892). Relevant functional assessments of this variant are not available in the literature. W2332* has not been observed in referenced population frequency databases. In summary, NM_000132.3(F8):c.6996G>A(W2332*) is a nonsense variant in a gene where loss of function is a known mechanism of disease, is predicted to disrupt protein function, and has been observed more frequently in cases with the relevant disease than in healthy populations. Please note: this variant was assessed in the context of healthy population screening.

Literature cited by the submitters: PubMed 16128892; PubMed 32026663.